The following is an entry in ClinVar:

ClinVar aggregate classification (germline): Uncertain significance (1 of 4 stars; one submission).

Conditions:
Renal cell carcinoma. Identifiers: Orphanet 217071, MedGen C0007134, MeSH D002292, MONDO:0005086, HP:0005584.

Submission:

Labcorp Genetics (formerly Invitae), Labcorp
Classification: Uncertain significance for Renal cell carcinoma. Last evaluated: 2023-06-16. Review status: criteria provided, single submitter. Criteria: Invitae Variant Classification Sherloc (09022015). Collection method: clinical testing. Allele origin: germline.
Comment: In summary, the available evidence is currently insufficient to determine the role of this variant in disease. Therefore, it has been classified as a Variant of Uncertain Significance. Variants that disrupt the consensus splice site are a relatively common cause of aberrant splicing (PMID: 17576681, 9536098). Algorithms developed to predict the effect of sequence changes on RNA splicing suggest that this variant may disrupt the consensus splice site. This variant has not been reported in the literature in individuals affected with MET-related conditions. This variant is not present in population databases (gnomAD no frequency). This sequence change falls in intron 16 of the MET gene. It does not directly change the encoded amino acid sequence of the MET protein. It affects a nucleotide within the consensus splice site.

Literature cited by the submitters: PubMed 17576681; PubMed 9536098.

NM_000245.4(MET):c.3340+5G>A

Gene: MET (MET proto-oncogene, receptor tyrosine kinase; plus strand). Cytogenetic location: 7q31.2.
Variant type: single nucleotide variant.
Coding change: c.3340+5G>A on transcript NM_000245.4 (MANE Select); 5 bases into the intron after coding-DNA position 3340, G replaced by A.
Molecular consequence: intron variant.
Genome position (GRCh38, 1-based): chr7:116,777,474, G>A. VCF-style: chr7-116777474-G-A. GRCh37 (hg19) VCF-style: chr7-116417528-G-A.
Other names: c.3394+5G>A (NM_001127500.3); c.2050+5G>A (NM_001324402.2).
Identifiers: ClinVar variation 2777511 (VCV002777511.3), dbSNP rs2117040504, ClinGen allele CA2739278827.